The following is an entry in ClinVar:

ClinVar aggregate classification (germline): Conflicting classifications of pathogenicity. Review status: criteria provided, conflicting classifications (1 of 4 stars). 7 submissions from 7 submitters: Uncertain significance (6); Likely benign (1). Last evaluated 2026-07-21.

Conditions:
Tuberous sclerosis 2 (TSC2). Identifiers: Orphanet 805, MedGen C1860707, MONDO:0013199, OMIM 613254.
Tuberous sclerosis syndrome (TSC). Also called: Tuberous sclerosis; Tuberous Sclerosis Complex. Identifiers: Orphanet 805, MedGen C0041341, MONDO:0001734.
Isolated focal cortical dysplasia type II (FCORD2). Also called: Focal cortical dysplasia type II; CORTICAL DYSPLASIA OF TAYLOR. Identifiers: Orphanet 268994, MedGen C1846385, MONDO:0011818, OMIM 607341, HP:0032051.
Hereditary cancer-predisposing syndrome. Also called: Neoplastic Syndromes, Hereditary; Hereditary Cancer Syndrome; Tumor predisposition; Hereditary neoplastic syndrome. Identifiers: Orphanet 140162, MedGen C0027672, MeSH D009386, MONDO:0015356.

Allele frequency attached by ClinVar (database versions not stated): TOPMed 0.00001; gnomAD 0.00002.
gnomAD v4.1: 4 of 1,610,972 alleles (0.00025%); highest among the groups gnomAD compares: Non-Finnish European, 0.00034%; no homozygotes.

Submissions (7):

Ambry Genetics
Classification: Uncertain significance for Hereditary cancer-predisposing syndrome. Last evaluated: 2026-07-21. Review status: criteria provided, single submitter. Criteria: Ambry Variant Classification Scheme 2023. Collection method: clinical testing. Allele origin: germline.
Comment: The p.E845G variant (also known as c.2534A>G), located in coding exon 21 of the TSC2 gene, results from an A to G substitution at nucleotide position 2534. The glutamic acid at codon 845 is replaced by glycine, an amino acid with similar properties. This amino acid position is highly conserved in available vertebrate species. In addition, this alteration is predicted to be deleterious by in silico analysis. Based on the available evidence, the clinical significance of this variant remains unclear.

Labcorp Genetics (formerly Invitae), Labcorp
Classification: Likely benign for Tuberous sclerosis 2. Last evaluated: 2025-10-17. Review status: criteria provided, single submitter. Criteria: Invitae Variant Classification Sherloc (09022015). Collection method: clinical testing. Allele origin: germline.

Quest Diagnostics Nichols Institute San Juan Capistrano
Classification: Uncertain significance. Last evaluated: 2025-07-30. Review status: criteria provided, single submitter. Criteria: Quest Diagnostics criteria. Collection method: clinical testing. Allele origin: unknown.

Color Diagnostics, LLC DBA Color Health
Classification: Uncertain significance for Tuberous sclerosis syndrome. Last evaluated: 2025-06-29. Review status: criteria provided, single submitter. Criteria: ACMG Guidelines, 2015. Collection method: clinical testing. Allele origin: germline.
Comment: This missense variant replaces glutamic acid with glycine at codon 845 of the TSC2 protein. Computational prediction suggests that this variant may have deleterious impact on protein structure and function. To our knowledge, functional studies have not been reported for this variant. This variant has not been reported in individuals affected with TSC2-related disorders in the literature. This variant has been identified in 1/248624 chromosomes in the general population by the Genome Aggregation Database (gnomAD). The available evidence is insufficient to determine the role of this variant in disease conclusively. Therefore, this variant is classified as a Variant of Uncertain Significance.

Baylor Genetics
Classification: Uncertain significance for Isolated focal cortical dysplasia type II. Last evaluated: 2023-10-09. Review status: criteria provided, single submitter. Criteria: ACMG Guidelines, 2015. Collection method: clinical testing. Allele origin: unknown.

GeneDx
Classification: Uncertain significance. Last evaluated: 2022-10-13. Review status: criteria provided, single submitter. Criteria: GeneDx Variant Classification Process June 2021. Collection method: clinical testing. Allele origin: germline. Affected: yes.
Comment: In silico analysis supports that this missense variant has a deleterious effect on protein structure/function; Has not been previously published as pathogenic or benign to our knowledge

Sema4
Classification: Uncertain significance for Hereditary cancer-predisposing syndrome. Last evaluated: 2021-12-13. Review status: criteria provided, single submitter. Criteria: Sema4 Curation Guidelines. Collection method: curation. Allele origin: germline.
Comment: The TSC2 c.2534A>G (p.E845G) variant has not been reported in the literature to our knowledge. This variant was observed in 1/112662 chromosomes of the European (non-Finnish) supopulation according to the Genome Aggregation Database (PMID: 32461654).This variant has been reported in ClinVar (Variation ID: 406086). In silico tools suggest the impact of the variant on protein function is deleterious, though these predictions have not been confirmed by functional studies.The evidence is insufficient to meet ACMG/AMP criteria for classifying the variant as benign or pathogenic. Thus, the clinical significance of this variant is currently uncertain.

NM_000548.5(TSC2):c.2534A>G (p.Glu845Gly)

Gene: TSC2 (TSC complex subunit 2; plus strand). Cytogenetic location: 16p13.3.
Variant type: single nucleotide variant.
Coding change: c.2534A>G on transcript NM_000548.5 (MANE Select); coding-DNA position 2534, A replaced by G.
Protein change: p.Glu845Gly; replaces glutamic acid 845 with glycine.
Molecular consequence: missense variant.
Genome position (GRCh38, 1-based): chr16:2,074,378, A>G. VCF-style: chr16-2074378-A-G. GRCh37 (hg19) VCF-style: chr16-2124379-A-G.
Other names: c.2534A>G, p.Glu845Gly (NM_001077183.3, NM_001114382.3, NM_001363528.2 and 3 more transcripts); c.2423A>G, p.Glu808Gly (NM_001318827.2); c.2387A>G, p.Glu796Gly (NM_001318829.2); c.1934A>G, p.Glu645Gly (NM_001318831.2); c.2567A>G, p.Glu856Gly (NM_001318832.2); short protein forms E845G, E645G, E796G, E808G, E856G.
Identifiers: ClinVar variation 406086 (VCV000406086.21), dbSNP rs764608837, ClinGen allele CA039405.